The following is an entry in ClinVar:

ClinVar aggregate classification (germline): Uncertain significance (1 of 4 stars; one submission).

Conditions:
RYR1-related disorder. Also called: RYR1-related condition; RYR1-related disorders. Identifiers: MedGen CN239331.

Allele frequency attached by ClinVar (database versions not stated): TOPMed below 0.00001.

Submission:

Labcorp Genetics (formerly Invitae), Labcorp
Classification: Uncertain significance for RYR1-related disorder. Last evaluated: 2022-05-28. Review status: criteria provided, single submitter. Criteria: Invitae Variant Classification Sherloc (09022015). Collection method: clinical testing. Allele origin: germline.
Comment: This variant is not present in population databases (gnomAD no frequency). In summary, the available evidence is currently insufficient to determine the role of this variant in disease. Therefore, it has been classified as a Variant of Uncertain Significance. Algorithms developed to predict the effect of sequence changes on RNA splicing suggest that this variant may disrupt the consensus splice site. This variant has not been reported in the literature in individuals affected with RYR1-related conditions. This sequence change falls in intron 69 of the RYR1 gene. It does not directly change the encoded amino acid sequence of the RYR1 protein.

NM_000540.3(RYR1):c.10441-5A>G

Gene: RYR1 (ryanodine receptor 1; plus strand). Cytogenetic location: 19q13.2.
Variant type: single nucleotide variant.
Coding change: c.10441-5A>G on transcript NM_000540.3 (MANE Select); 5 bases into the intron before coding-DNA position 10441, A replaced by G.
Molecular consequence: intron variant.
Genome position (GRCh38, 1-based): chr19:38,523,910, A>G. VCF-style: chr19-38523910-A-G. GRCh37 (hg19) VCF-style: chr19-39014550-A-G.
Other names: c.10440+601A>G (NM_001042723.2).
Identifiers: ClinVar variation 2116936 (VCV002116936.4), dbSNP rs1971339294, ClinGen allele CA2335065134.